The following is an entry in ClinVar:

NM_001385641.1(SAMD11):c.1426C>T (p.Leu476Phe)

Gene: SAMD11 (sterile alpha motif domain containing 11; plus strand). Cytogenetic location: 1p36.33.
Variant type: single nucleotide variant.
Coding change: c.1426C>T on transcript NM_001385641.1 (MANE Select); coding-DNA position 1426, C replaced by T.
Protein change: p.Leu476Phe; replaces leucine 476 with phenylalanine.
Molecular consequence: missense variant.
Genome position (GRCh38, 1-based): chr1:942,203, C>T. VCF-style: chr1-942203-C-T. GRCh37 (hg19) VCF-style: chr1-877583-C-T.
Other names: c.1429C>T, p.Leu477Phe (NM_001385640.1); c.937C>T, p.Leu313Phe (NM_152486.4); short protein forms L313F, L476F, L477F.
Identifiers: ClinVar variation 846151 (VCV000846151.9), dbSNP rs538838892, ClinGen allele CA502896.

ClinVar aggregate classification (germline): Uncertain significance. Review status: criteria provided, multiple submitters, no conflicts (2 of 4 stars). 3 submissions from 3 submitters: Uncertain significance (3). Last evaluated 2024-08-21.

Allele frequency attached by ClinVar (database versions not stated): gnomAD 0.00001 and 0.00005; TOPMed 0.00002; 1000 Genomes Project 30x 0.00031; 1000 Genomes Project 0.00040.
gnomAD v4.1: 65 of 1,370,122 alleles (0.0047%); highest among the groups gnomAD compares: South Asian, 0.099%; no homozygotes.

Submissions (3):

Blueprint Genetics
Classification: Uncertain significance. Last evaluated: 2024-08-21. Review status: criteria provided, single submitter. Criteria: ACMG Guidelines, 2015. Collection method: clinical testing. Allele origin: germline.

Labcorp Genetics (formerly Invitae), Labcorp
Classification: Uncertain significance. Last evaluated: 2022-07-26. Review status: criteria provided, single submitter. Criteria: Invitae Variant Classification Sherloc (09022015). Collection method: clinical testing. Allele origin: germline.
Comment: This variant has not been reported in the literature in individuals affected with SAMD11-related conditions. This variant is present in population databases (rs538838892, gnomAD 0.1%). This sequence change replaces leucine, which is neutral and non-polar, with phenylalanine, which is neutral and non-polar, at codon 313 of the SAMD11 protein (p.Leu313Phe). ClinVar contains an entry for this variant (Variation ID: 846151). Algorithms developed to predict the effect of missense changes on protein structure and function are either unavailable or do not agree on the potential impact of this missense change (SIFT: "Deleterious"; PolyPhen-2: "Probably Damaging"; Align-GVGD: "Class C0"). In summary, the available evidence is currently insufficient to determine the role of this variant in disease. Therefore, it has been classified as a Variant of Uncertain Significance.

Breakthrough Genomics
Classification: Uncertain significance. Review status: criteria provided, single submitter. Criteria: ACMG Guidelines, 2015. Collection method: not provided. Allele origin: germline. Inheritance: Unknown mechanism. Affected: yes.